The following is an entry in ClinVar:

NM_005592.4(MUSK):c.1706A>T (p.Glu569Val)

Gene: MUSK (muscle associated receptor tyrosine kinase; plus strand). Cytogenetic location: 9q31.3.
Variant type: single nucleotide variant.
Coding change: c.1706A>T on transcript NM_005592.4 (MANE Select); coding-DNA position 1706, A replaced by T.
Protein change: p.Glu569Val; replaces glutamic acid 569 with valine.
Molecular consequence: missense variant.
Genome position (GRCh38, 1-based): chr9:110,785,646, A>T. VCF-style: chr9-110785646-A-T. GRCh37 (hg19) VCF-style: chr9-113547926-A-T.
Other names: c.1448A>T, p.Glu483Val (NM_001166280.2); c.1418A>T, p.Glu473Val (NM_001166281.2); c.446A>T, p.Glu149Val (NM_001369398.1); short protein forms E483V, E473V, E149V, E569V.
Identifiers: ClinVar variation 863070 (VCV000863070.8), dbSNP rs2077843836, ClinGen allele CA374475852.

ClinVar aggregate classification (germline): Uncertain significance (1 of 4 stars; one submission).

Conditions:
Fetal akinesia deformation sequence 1 (FADS1). Also called: Fetal akinesia sequence; Pena-Shokeir syndrome type I. Identifiers: Orphanet 994, MedGen C1276035, MONDO:0100101, OMIM 208150, HP:0001989.
Congenital myasthenic syndrome 9. Also called: Myasthenic syndrome, congenital, 9, associated with acetylcholine receptor deficiency. Identifiers: Orphanet 590, MedGen C4225368, MONDO:0014587, OMIM 616325.

Allele frequency attached by ClinVar (database versions not stated): gnomAD exomes below 0.00001.
gnomAD v4.1: 5 of 1,613,382 alleles (0.00031%); highest among the groups gnomAD compares: Non-Finnish European, 0.00042%; no homozygotes.

Submission:

Labcorp Genetics (formerly Invitae), Labcorp
Classification: Uncertain significance for Congenital myasthenic syndrome 9; Fetal akinesia deformation sequence 1. Last evaluated: 2024-01-19. Review status: criteria provided, single submitter. Criteria: Invitae Variant Classification Sherloc (09022015). Collection method: clinical testing. Allele origin: germline.
Comment: This sequence change replaces glutamic acid, which is acidic and polar, with valine, which is neutral and non-polar, at codon 569 of the MUSK protein (p.Glu569Val). This variant is not present in population databases (gnomAD no frequency). This variant has not been reported in the literature in individuals affected with MUSK-related conditions. ClinVar contains an entry for this variant (Variation ID: 863070). Advanced modeling of protein sequence and biophysical properties (such as structural, functional, and spatial information, amino acid conservation, physicochemical variation, residue mobility, and thermodynamic stability) performed at Invitae indicates that this missense variant is expected to disrupt MUSK protein function with a positive predictive value of 80%. In summary, the available evidence is currently insufficient to determine the role of this variant in disease. Therefore, it has been classified as a Variant of Uncertain Significance.